The following is an entry in ClinVar:

NM_016953.4(PDE11A):c.2632A>G (p.Met878Val)

Gene: PDE11A (phosphodiesterase 11A; minus strand). Cytogenetic location: 2q31.2.
Variant type: single nucleotide variant.
Coding change: c.2632A>G on transcript NM_016953.4 (MANE Select); coding-DNA position 2632, A replaced by G.
Protein change: p.Met878Val; replaces methionine 878 with valine.
Molecular consequence: missense variant.
Genome position (GRCh38, 1-based): chr2:177,663,880, T>C on the plus strand (A>G on the coding strand, the complement: PDE11A is on the minus strand). VCF-style: chr2-177663880-T-C. GRCh37 (hg19) VCF-style: chr2-178528608-T-C.
Other names: c.1300A>G, p.Met434Val (NM_001077196.2); c.1882A>G, p.Met628Val (NM_001077197.2); c.1558A>G, p.Met520Val (NM_001077358.2); short protein forms M628V, M434V, M520V, M878V.
Identifiers: ClinVar variation 377121 (VCV000377121.10), dbSNP rs74357545, ClinGen allele CA1981441.

ClinVar aggregate classification (germline): Benign/Likely benign. Review status: criteria provided, multiple submitters, no conflicts (2 of 4 stars). 4 submissions from 4 submitters: Benign (2); Likely benign (2). Last evaluated 2026-09-01.

Allele frequency attached by ClinVar (database versions not stated): 1000 Genomes Project 30x 0.00187; 1000 Genomes Project 0.00200; TOPMed 0.00701; ESP Exome Variant Server 0.00969.
gnomAD v4.1: 16,782 of 1,589,640 alleles (1.1%); highest among the groups gnomAD compares: Non-Finnish European, 1.3%; 139 homozygotes.

Submissions (4):

CeGaT Center for Human Genetics Tuebingen
Classification: Benign. Last evaluated: 2026-09-01. Review status: criteria provided, single submitter. Criteria: CeGaT Center For Human Genetics Tuebingen Variant Classification Criteria Version 2. Collection method: clinical testing. Allele origin: germline. Affected: yes. Observed: 2 variant alleles.
Comment: PDE11A: BP4, BS1, BS2

Labcorp Genetics (formerly Invitae), Labcorp
Classification: Benign. Last evaluated: 2019-12-31. Review status: criteria provided, single submitter. Criteria: Invitae Variant Classification Sherloc (09022015). Collection method: clinical testing. Allele origin: germline.

Center for Pediatric Genomic Medicine, Children's Mercy Hospital and Clinics
Classification: Likely benign. Last evaluated: 2016-08-30. Review status: criteria provided, single submitter. Criteria: ACMG Guidelines, 2015. Collection method: clinical testing. Allele origin: germline.
ClinVar note: Converted during submission from Likely Benign to Likely benign.

Breakthrough Genomics
Classification: Likely benign. Review status: criteria provided, single submitter. Criteria: ACMG Guidelines, 2015. Collection method: not provided. Allele origin: germline. Inheritance: Autosomal dominant inheritance. Affected: yes.